The following is an entry in ClinVar:

ClinVar aggregate classification (germline): Uncertain significance (1 of 4 stars; one submission).

Allele frequency attached by ClinVar (database versions not stated): gnomAD exomes below 0.00001.
gnomAD v4.1: 2 of 1,611,636 alleles (0.00012%); highest among the groups gnomAD compares: Non-Finnish European, 0.000085%; no homozygotes.

Submission:

CeGaT Center for Human Genetics Tuebingen
Classification: Uncertain significance. Last evaluated: 2023-07-01. Review status: criteria provided, single submitter. Criteria: CeGaT Center For Human Genetics Tuebingen Variant Classification Criteria Version 2. Collection method: clinical testing. Allele origin: germline. Affected: yes. Observed: 1 variant allele.
Comment: TLE6: PM2, BP4

NM_001143986.2(TLE6):c.997C>T (p.Pro333Ser)

Gene: TLE6 (TLE family member 6, subcortical maternal complex member; plus strand). Cytogenetic location: 19p13.3.
Variant type: single nucleotide variant.
Coding change: c.997C>T on transcript NM_001143986.2 (MANE Select); coding-DNA position 997, C replaced by T.
Protein change: p.Pro333Ser; replaces proline 333 with serine.
Molecular consequence: missense variant.
Genome position (GRCh38, 1-based): chr19:2,989,538, C>T. VCF-style: chr19-2989538-C-T. GRCh37 (hg19) VCF-style: chr19-2989536-C-T.
Other names: c.628C>T, p.Pro210Ser (NM_024760.3); short protein forms P210S, P333S.
Identifiers: ClinVar variation 2578815 (VCV002578815.25), dbSNP rs2512126298, ClinGen allele CA403285996.